The following is an entry in ClinVar:

NM_004850.5(ROCK2):c.2460A>C (p.Leu820=)

Gene: ROCK2 (Rho associated coiled-coil containing protein kinase 2; minus strand). Cytogenetic location: 2p25.1.
Variant type: single nucleotide variant.
Coding change: c.2460A>C on transcript NM_004850.5 (MANE Select); coding-DNA position 2460, A replaced by C.
Protein change: p.Leu820=; no amino-acid change (leucine 820 retained).
Molecular consequence: synonymous variant.
Genome position (GRCh38, 1-based): chr2:11,207,815, T>G on the plus strand (A>C on the coding strand, the complement: ROCK2 is on the minus strand). VCF-style: chr2-11207815-T-G. GRCh37 (hg19) VCF-style: chr2-11347941-T-G.
Other names: c.2202A>C, p.Leu734= (NM_001321643.2).
Identifiers: ClinVar variation 3052771 (VCV003052771.2), dbSNP rs55931955, ClinGen allele CA1530071.
Genomic context (GRCh38, chr2:11,207,815, plus strand): 5'-GTTCATTTTCATTTCCATGAGATGGTTATTTTCTTGCTTTAACTGCTTTTCTGACATTTT[T>G]AGTGTGTTAACCTGTTGTGTTTGCATCTTCAGGTCATTTTGTGTAAGGCAGCGCTTCTGA-3'
Protein context (NP_004841.2, residues 810-830): LKMQTQQVNT[Leu820=]KMSEKQLKQE

ClinVar aggregate classification (germline): Benign (0 of 4 stars; one submission).

Conditions:
ROCK2-related disorder. Also called: ROCK2-related condition.

Allele frequency attached by ClinVar (database versions not stated): gnomAD exomes 0.00066; ExAC 0.00205; 1000 Genomes Project 0.00659; gnomAD 0.00707; 1000 Genomes Project 30x 0.00750; ESP Exome Variant Server 0.00785; TOPMed 0.00793.
gnomAD v4.1: 2,072 of 1,612,994 alleles (0.13%); highest among the groups gnomAD compares: African/African-American, 2.5%; 24 homozygotes.

Submission:

PreventionGenetics, part of Exact Sciences
Classification: Benign for ROCK2-related condition. Last evaluated: 2019-08-13. Review status: no assertion criteria provided. Collection method: clinical testing. Allele origin: germline.
Comment: This variant is classified as benign based on ACMG/AMP sequence variant interpretation guidelines (Richards et al. 2015 PMID: 25741868, with internal and published modifications).